The following is an entry in ClinVar:

NM_001276345.2(TNNT2):c.547C>T (p.Arg183Trp)

Gene: TNNT2 (troponin T2, cardiac type; minus strand). Cytogenetic location: 1q32.1.
Variant type: single nucleotide variant.
Coding change: c.547C>T on transcript NM_001276345.2 (MANE Select); coding-DNA position 547, C replaced by T.
Protein change: p.Arg183Trp; replaces arginine 183 with tryptophan.
Molecular consequence: missense variant.
Genome position (GRCh38, 1-based): chr1:201,363,349, G>A on the plus strand (C>T on the coding strand, the complement: TNNT2 is on the minus strand). VCF-style: chr1-201363349-G-A. GRCh37 (hg19) VCF-style: chr1-201332477-G-A.
Other names: p.(Arg183Trp); c.547C>T, p.Arg183Trp (NM_000364.4); c.517C>T, p.Arg173Trp (NM_001001430.3, NM_001001431.3, NM_001276347.2); c.502C>T, p.Arg168Trp (NM_001001432.3); c.427C>T, p.Arg143Trp (NM_001276346.2); short protein forms R173W, R183W, R143W, R168W.
Identifiers: ClinVar variation 228409 (VCV000228409.29), dbSNP rs727503512, ClinGen allele CA10576372.
Genomic context (GRCh38, chr1:201,363,349, plus strand): 5'-TACCTACCTTCTGGATGTAACCCCCAAAATGCATCATGTTGGACAAAGCCTTCTTCTTCC[G>A]GGCCTCATCCTCAGCCTTCCTCCTGTTCTCCTCCTCCTCTCGTCGAGCCCTCTCTTCCTG-3'
Protein context (NP_001263274.1, residues 173-193): ENRRKAEDEA[Arg183Trp]KKKALSNMMH

ClinVar aggregate classification (germline): Pathogenic/Likely pathogenic. Review status: criteria provided, multiple submitters, no conflicts (2 of 4 stars). 14 submissions from 12 submitters: Pathogenic (13); Likely pathogenic (1). Last evaluated 2026-01-12.

Conditions:
TNNT2-related disorder. Also called: TNNT2-related condition.
Cardiovascular phenotype. Identifiers: MedGen CN230736.
Hypertrophic cardiomyopathy 2. Also called: TNNT2-Related Familial Hypertrophic Cardiomyopathy. Identifiers: MedGen C1861864, MONDO:0007266, OMIM 115195.
Dilated cardiomyopathy 1D. Identifiers: Orphanet 154, Orphanet 54260, MedGen C1832243, MONDO:0011095, OMIM 601494.
Cardiomyopathy, familial restrictive, 3. Identifiers: Orphanet 75249, MedGen C2676271, MONDO:0012900, OMIM 612422.
Cardiomyopathy (CMYO). Also called: Cardiomyopathies. Identifiers: Orphanet 167848, MedGen C0878544, MONDO:0004994, HP:0001638. Inheritance: Various modes of inheritance.
Primary dilated cardiomyopathy (DCM). Also called: Dilated Cardiomyopathy. Identifiers: Orphanet 217604, MedGen C0007193, MeSH D002311, MONDO:0005021, HP:0001644. Inheritance: Various modes of inheritance.

gnomAD v4.1: 4 of 1,614,088 alleles (0.00025%); highest among the groups gnomAD compares: South Asian, 0.0011%; no homozygotes.

Submissions (14):

Labcorp Genetics (formerly Invitae), Labcorp
Classification: Pathogenic for Cardiomyopathy, familial restrictive, 3; Hypertrophic cardiomyopathy 2; Dilated cardiomyopathy 1D. Last evaluated: 2026-01-12. Review status: criteria provided, single submitter. Criteria: Invitae Variant Classification Sherloc (09022015). Collection method: clinical testing. Allele origin: germline.
Comment: This sequence change replaces arginine, which is basic and polar, with tryptophan, which is neutral and slightly polar, at codon 173 of the TNNT2 protein (p.Arg173Trp). This variant is not present in population databases (gnomAD no frequency). This missense change has been observed in individual(s) with dilated cardiomyopathy (DCM) (PMID: 22517884, 24205113). It has also been observed to segregate with disease in related individuals. ClinVar contains an entry for this variant (Variation ID: 228409). Invitae Evidence Modeling of protein sequence and biophysical properties (such as structural, functional, and spatial information, amino acid conservation, physicochemical variation, residue mobility, and thermodynamic stability) indicates that this missense variant is not expected to disrupt TNNT2 protein function with a negative predictive value of 80%. Experimental studies have shown that this missense change affects TNNT2 function (PMID: 22517884, 24367593). For these reasons, this variant has been classified as Pathogenic.

Color Diagnostics, LLC DBA Color Health
Classification: Pathogenic for Cardiomyopathy. Last evaluated: 2025-08-27. Review status: criteria provided, single submitter. Criteria: ACMG Guidelines, 2015. Collection method: clinical testing. Allele origin: germline.
Comment: This missense variant replaces arginine with tryptophan at codon 173 of the TNNT2 protein. Computational prediction is inconclusive regarding the impact of this variant on protein structure and function. Functional studies have shown that this variant negatively impacts calcium sensitivity and myofilament regulation (PMID: 22517884, 24367593). This variant has been reported in over 20 individuals affected with dilated cardiomyopathy (PMID: 22517884, 24119082, 24205113, 31514951, 30871747, 31931689, 32458740, 35653365) and has been shown shown to segregate with disease in family studies (PMID: 22517884, 24205113). This variant has not been identified in the general population by the Genome Aggregation Database (gnomAD). A different variant occurring at the same codon, p.Arg173Gln, is known to cause disease (ClinVar variation ID: 43649), indicating the functional and clinical importance of arginine residue at this position. Based on the available evidence, this p.Arg173Trp variant is classified as Pathogenic.

Ambry Genetics
Classification: Pathogenic for Cardiovascular phenotype. Last evaluated: 2025-04-30. Review status: criteria provided, single submitter. Criteria: Ambry Variant Classification Scheme 2023. Collection method: clinical testing. Allele origin: germline.
Comment: The p.R173W pathogenic mutation (also known as c.517C>T), located in coding exon 10 of the TNNT2 gene, results from a C to T substitution at nucleotide position 517. The arginine at codon 173 is replaced by tryptophan, an amino acid with dissimilar properties. This variant was identified in one or more individuals with features consistent with dilated cardiomyopathy (DCM) and segregated with disease in at least one family (Sun N et al. Sci Transl Med, 2012 Apr;4:130ra47; Campbell N et al. PLoS ONE, 2013 Oct;8:e78104; Sousa A et al. Rev Port Cardiol, 2019 02;38:129-139). Other variant(s) at the same codon, p.R173Q (c.518G>A), have been identified in individual(s) with features consistent with DCM (Van Acker H et al. Int. J. Cardiol., 2010 Oct;144:307-9; Lakdawala NK et al. J. Card. Fail., 2012 Apr;18:296-303; Chauveau S et al. Clin Case Rep, 2017 Jun;5:923-926). This amino acid position is well conserved in available vertebrate species. In addition, this alteration is predicted to be deleterious by in silico analysis. This variant is considered to be rare based on population cohorts in the Genome Aggregation Database (gnomAD). Based on the supporting evidence, this alteration is interpreted as a disease-causing mutation.

GeneDx
Classification: Pathogenic. Last evaluated: 2024-09-04. Review status: criteria provided, single submitter. Criteria: GeneDx Variant Classification Process June 2021. Collection method: clinical testing. Allele origin: germline. Affected: yes.
Comment: Identified in patients with cardiomyopathy in the published literature and in patients referred for genetic testing at GeneDx (PMID: 24119082, 24205113, 26265630); Published functional studies in cardiomyocytes exhibited altered Ca2+ handling and impaired myofilament regulation (PMID: 22517884); Not observed at significant frequency in large population cohorts (gnomAD); In silico analysis supports that this missense variant has a deleterious effect on protein structure/function; This variant is associated with the following publications: (PMID: 32458740, 30624779, 26095046, 26237594, 28315121, 27296521, 20800588, 28246128, 24367593, 27335446, 27237981, 24576884, 25690476, 28573431, 22517884, 27721795, 25548614, 26265630, 23074333, 30871747, 30565988, 31373515, 31514951, 31931689, 33083013, 33025817, 33087929, 35653365, 36396199, 24119082, 24205113)

Blueprint Genetics
Classification: Pathogenic for TNNT2-related disorders. Last evaluated: 2023-11-30. Review status: criteria provided, single submitter. Criteria: ACMG Guidelines, 2015. Collection method: clinical testing. Allele origin: germline. Affected: yes. Observed: 4 variant alleles.

All of Us Research Program, National Institutes of Health
Classification: Pathogenic for Primary dilated cardiomyopathy. Last evaluated: 2023-11-27. Review status: criteria provided, single submitter. Criteria: ACMG Guidelines, 2015. Collection method: clinical testing. Allele origin: germline. Inheritance: Autosomal dominant inheritance. Observed: 2 variant alleles, 2 heterozygotes.
Comment: The c.517C>T (p.Arg173Trp) variant in the TNNT2 gene is located on the exon 11 and is predicted to replace arginine with tryptophan at codon 173 (p.Arg173Trp). The variant has been reported in multiple individuals with dilated cardiomyopathy and segregates with the disease in >20 individuals in 4 families (PMID: 24205113, 22517884, 19324435, 35653365). Alternative variant (p.Arg183Gln) disrupting the same amino acid has been interpreted as pathogenic (ClinVar ID: 43649). Functional experiments suggested this variant negatively impacted the myofilament regulation and calcium handling (PMID: 22517884, 24367593). The variant is reported in ClinVar (ID: 228409). The variant is absent in the general population database (gnomAD). Therefore, the c.517C>T (p.Arg173Trp) variant of TNNT2 has been classified as pathogenic.

This study involves interpretation of variants in research participants for the purpose of population health screening. Participant phenotype was not available at the time of variant classification. Additional details can be found in publication PMID: 35346344, PMCID: PMC8962531

Mayo Clinic Laboratories, Mayo Clinic
Classification: Pathogenic. Last evaluated: 2023-10-02. Review status: criteria provided, single submitter. Criteria: ACMG Guidelines, 2015. Collection method: clinical testing. Allele origin: germline. Observed: 1 variant allele.
Comment: PP1_strong, PM2, PS3, PS4

Genome-Nilou Lab
Classification: Pathogenic for Dilated cardiomyopathy 1D. Last evaluated: 2023-04-11. Review status: criteria provided, single submitter. Criteria: ACMG Guidelines, 2015. Collection method: clinical testing. Allele origin: germline. Affected: no.

Genome-Nilou Lab
Classification: Pathogenic for Cardiomyopathy, familial restrictive, 3. Last evaluated: 2023-04-11. Review status: criteria provided, single submitter. Criteria: ACMG Guidelines, 2015. Collection method: clinical testing. Allele origin: germline. Affected: no.

Genome-Nilou Lab
Classification: Pathogenic for Hypertrophic cardiomyopathy 2. Last evaluated: 2023-04-11. Review status: criteria provided, single submitter. Criteria: ACMG Guidelines, 2015. Collection method: clinical testing. Allele origin: germline. Affected: no.

Clinical Genetics Laboratory, Skane University Hospital Lund
Classification: Pathogenic. Last evaluated: 2022-07-13. Review status: criteria provided, single submitter. Criteria: ACMG Guidelines, 2015. Collection method: clinical testing. Allele origin: germline. Affected: yes.

Laboratory for Molecular Medicine, Mass General Brigham Personalized Medicine
Classification: Pathogenic for Primary dilated cardiomyopathy. Last evaluated: 2022-02-04. Review status: criteria provided, single submitter. Criteria: ACMG Guidelines, 2015. Collection method: clinical testing. Allele origin: germline. Inheritance: Autosomal dominant inheritance.
Comment: The p.Arg173Trp variant in TNNT2 has been reported in 20 families with DCM and segregated with disease in >15 affected relatives (Sun 2012 PMID:22517884, Merlo 2012 PMID:24119082, Campbell 2013 PMID:24205113, Gigli 2019 PMID:31514951, Sousa 2019 PMID:30871747, Ramchand 2020 PMID:31931689, Qiat 2020 PMID: 32458740). It was absent from large population studies. In vitro functional studies also provide some evidence that this variant may impact protein function (Sun 2012 PMID:22517884, Sommese 2013 PMID:24367593, Lv 2018 PMID:30565988, Karakikes 2017 PMID: 28246128). In summary, this variant meets our criteria to be classified as pathogenic for DCM in an autosomal dominant manner based on segregation studies, absence from controls, and functional data. ACMG/AMP criteria applied: PS4, PP1_Strong, PS3_Moderate, PM2_Supporting, PP3.

Stanford Center for Inherited Cardiovascular Disease, Stanford University
Classification: Likely pathogenic. Last evaluated: 2011-08-25. Review status: criteria provided, single submitter. Criteria: ACMG Guidelines, 2015. Collection method: provider interpretation. Allele origin: germline.

CENTOGENE GmbH and LLC - Guiding Precision Medicine
Classification: Pathogenic for Dilated cardiomyopathy 1D. Review status: criteria provided, single submitter. Criteria: ACMG Guidelines, 2015. Collection method: clinical testing. Allele origin: germline. Affected: yes.

Literature cited by the submitters: PubMed 22517884 (cited by 6 submitters); PubMed 24205113 (cited by 6 submitters); PubMed 24367593 (cited by 6 submitters); PubMed 24119082 (cited by 4 submitters); PubMed 30871747 (cited by 3 submitters); PubMed 31514951 (cited by Color Diagnostics, LLC DBA Color Health and Mayo Clinic Laboratories, Mayo Clinic); PubMed 31931689 (cited by Color Diagnostics, LLC DBA Color Health and Mayo Clinic Laboratories, Mayo Clinic); PubMed 32458740 (cited by Color Diagnostics, LLC DBA Color Health and Mayo Clinic Laboratories, Mayo Clinic); PubMed 35653365 (cited by 3 submitters); PubMed 26095046 (cited by Ambry Genetics); PubMed 28246128 (cited by Ambry Genetics and Mayo Clinic Laboratories, Mayo Clinic); PubMed 30565988 (cited by Ambry Genetics); PubMed 31373515 (cited by Ambry Genetics and Mayo Clinic Laboratories, Mayo Clinic); PubMed 31937807 (cited by Ambry Genetics); PubMed 19324435 (cited by All of Us Research Program, National Institutes of Health); PubMed 33025817 (cited by Mayo Clinic Laboratories, Mayo Clinic); PubMed 33083013 (cited by Mayo Clinic Laboratories, Mayo Clinic); PubMed 23074333 (cited by Laboratory for Molecular Medicine, Mass General Brigham Personalized Medicine).